The following is an entry in ClinVar:

NM_005450.6(NOG):c.492G>A (p.Leu164=)

Gene: NOG (noggin; plus strand). Cytogenetic location: 17q22.
Variant type: single nucleotide variant.
Coding change: c.492G>A on transcript NM_005450.6 (MANE Select); coding-DNA position 492, G replaced by A.
Protein change: p.Leu164=; no amino-acid change (leucine 164 retained).
Molecular consequence: synonymous variant.
Genome position (GRCh38, 1-based): chr17:56,594,715, G>A. VCF-style: chr17-56594715-G-A. GRCh37 (hg19) VCF-style: chr17-54672076-G-A.
Identifiers: ClinVar variation 3728593 (VCV003728593.2).

ClinVar aggregate classification (germline): Uncertain significance (1 of 4 stars; one submission).

Submission:

Labcorp Genetics (formerly Invitae), Labcorp
Classification: Uncertain significance. Last evaluated: 2025-01-07. Review status: criteria provided, single submitter. Criteria: Invitae Variant Classification Sherloc (09022015). Collection method: clinical testing. Allele origin: germline.
Comment: This sequence change affects codon 164 of the NOG mRNA. It is a 'silent' change, meaning that it does not change the encoded amino acid sequence of the NOG protein. This variant is not present in population databases (gnomAD no frequency). This variant has not been reported in the literature in individuals affected with NOG-related conditions. In summary, the available evidence is currently insufficient to determine the role of this variant in disease. Therefore, it has been classified as a Variant of Uncertain Significance.